The following is an entry in ClinVar:

ClinVar aggregate classification (germline): Uncertain significance (1 of 4 stars; one submission).

Submission:

Labcorp Genetics (formerly Invitae), Labcorp
Classification: Uncertain significance. Last evaluated: 2025-03-07. Review status: criteria provided, single submitter. Criteria: Invitae Variant Classification Sherloc (09022015). Collection method: clinical testing. Allele origin: germline.
Comment: This sequence change creates a premature translational stop signal (p.Leu281Ilefs*14) in the MTMR14 gene. It is expected to result in an absent or disrupted protein product. However, the current clinical and genetic evidence is not sufficient to establish whether loss-of-function variants in MTMR14 cause disease. This variant is not present in population databases (gnomAD no frequency). This variant has not been reported in the literature in individuals affected with MTMR14-related conditions. In summary, the available evidence is currently insufficient to determine the role of this variant in disease. Therefore, it has been classified as a Variant of Uncertain Significance.

NM_001077525.3(MTMR14):c.839dup (p.Leu281fs)

Gene: MTMR14 (myotubularin related protein 14; plus strand). Cytogenetic location: 3p25.3.
Variant type: Duplication.
Coding change: c.839dup on transcript NM_001077525.3 (MANE Select); coding-DNA position 839, one base duplicated (C; older notation c.839dupC).
Protein change: p.Leu281fs; shifts the reading frame from leucine 281.
Molecular consequence: frameshift variant. On other transcripts: non-coding transcript variant (4), intron variant (12).
Genome position (GRCh38, 1-based): chr3:9,678,000, C duplicated; the last of 4 consecutive C bases (chr3:9,677,997-9,678,000); duplicating any one gives the same sequence. VCF-style (leftmost placement, unchanged base first): chr3-9677996-G-GC. GRCh37 (hg19) VCF-style: chr3-9719680-G-GC.
Other names: c.839dup, p.Leu281fs (NM_001077526.3, NM_022485.5); c.908dup, p.Leu304fs (NM_001400518.1, NM_001400521.1); c.836dup, p.Leu280fs (NM_001400519.1, NM_001400522.1); c.593dup, p.Leu199fs (NM_001400524.1, NM_001400527.1, NM_001400530.1); c.557dup, p.Leu187fs (NM_001400525.1, NM_001400529.1, NM_001400532.1); c.590dup, p.Leu198fs (NM_001400531.1); c.197dup, p.Leu67fs (NM_001400533.1, NM_001400534.1, NM_001400535.1 and 7 more transcripts); c.891+613dup (NM_001400526.1); and 5 more; short protein forms L187fs, L199fs, L198fs, L280fs, L281fs, L304fs, L67fs.
Identifiers: ClinVar variation 4705473 (VCV004705473.1).